The following is an entry in ClinVar:

NM_007347.5(AP4E1):c.682A>G (p.Ile228Val)

Gene: AP4E1 (adaptor related protein complex 4 subunit epsilon 1; plus strand). Cytogenetic location: 15q21.2.
Variant type: single nucleotide variant.
Coding change: c.682A>G on transcript NM_007347.5 (MANE Select); coding-DNA position 682, A replaced by G.
Protein change: p.Ile228Val; replaces isoleucine 228 with valine.
Molecular consequence: missense variant.
Genome position (GRCh38, 1-based): chr15:50,929,148, A>G. VCF-style: chr15-50929148-A-G. GRCh37 (hg19) VCF-style: chr15-51221345-A-G.
Other names: c.457A>G, p.Ile153Val (NM_001252127.2); short protein forms I228V, I153V.
Identifiers: ClinVar variation 571015 (VCV000571015.8), dbSNP rs373938768, ClinGen allele CA7558830.

ClinVar aggregate classification (germline): Uncertain significance (1 of 4 stars; one submission).

Conditions:
Spastic paraplegia. Identifiers: MedGen C0037772, HP:0001258.

Allele frequency attached by ClinVar (database versions not stated): gnomAD exomes 0.00001 and 0.00002; gnomAD 0.00001; ExAC 0.00002; ESP Exome Variant Server 0.00008; TOPMed 0.00002.
gnomAD v4.1: 13 of 1,613,724 alleles (0.00081%); highest among the groups gnomAD compares: Non-Finnish European, 0.0011%; no homozygotes.

Submission:

Labcorp Genetics (formerly Invitae), Labcorp
Classification: Uncertain significance for Spastic paraplegia. Last evaluated: 2022-02-03. Review status: criteria provided, single submitter. Criteria: Invitae Variant Classification Sherloc (09022015). Collection method: clinical testing. Allele origin: germline.
Comment: This variant has not been reported in the literature in individuals affected with AP4E1-related conditions. In summary, the available evidence is currently insufficient to determine the role of this variant in disease. Therefore, it has been classified as a Variant of Uncertain Significance. Algorithms developed to predict the effect of missense changes on protein structure and function are either unavailable or do not agree on the potential impact of this missense change (SIFT: "Deleterious"; PolyPhen-2: "Benign"; Align-GVGD: "Class C0"). ClinVar contains an entry for this variant (Variation ID: 571015). This variant is present in population databases (rs373938768, gnomAD 0.004%). This sequence change replaces isoleucine, which is neutral and non-polar, with valine, which is neutral and non-polar, at codon 228 of the AP4E1 protein (p.Ile228Val).